The following is an entry in ClinVar:

NM_003024.3(ITSN1):c.189A>G (p.Ala63=)

Gene: ITSN1 (intersectin 1; plus strand). Cytogenetic location: 21q22.11.
Variant type: single nucleotide variant.
Coding change: c.189A>G on transcript NM_003024.3 (MANE Select); coding-DNA position 189, A replaced by G.
Protein change: p.Ala63=; no amino-acid change (alanine 63 retained).
Molecular consequence: synonymous variant.
Genome position (GRCh38, 1-based): chr21:33,735,047, A>G. VCF-style: chr21-33735047-A-G. GRCh37 (hg19) VCF-style: chr21-35107352-A-G.
Other names: c.189A>G, p.Ala63= (NM_001001132.2, NM_001331008.2, NM_001331009.2 and 3 more transcripts).
Identifiers: ClinVar variation 3034830 (VCV003034830.2), dbSNP rs143777464, ClinGen allele CA10011231.

ClinVar aggregate classification (germline): Likely benign (0 of 4 stars; one submission).

Conditions:
ITSN1-related disorder. Also called: ITSN1-related condition.

Allele frequency attached by ClinVar (database versions not stated): gnomAD 0.00007; TOPMed 0.00008; gnomAD exomes 0.00012; ExAC 0.00017.
gnomAD v4.1: 183 of 1,610,932 alleles (0.011%); highest among the groups gnomAD compares: South Asian, 0.13%; 2 homozygotes.

Submission:

PreventionGenetics, part of Exact Sciences
Classification: Likely benign for ITSN1-related condition. Last evaluated: 2019-08-06. Review status: no assertion criteria provided. Collection method: clinical testing. Allele origin: germline.
Comment: This variant is classified as likely benign based on ACMG/AMP sequence variant interpretation guidelines (Richards et al. 2015 PMID: 25741868, with internal and published modifications).